The following is an entry in ClinVar:

NM_031443.4(CCM2):c.804-9C>G

Gene: CCM2 (CCM2 scaffold protein; plus strand). Cytogenetic location: 7p13.
Variant type: single nucleotide variant.
Coding change: c.804-9C>G on transcript NM_031443.4 (MANE Select); 9 bases into the intron before coding-DNA position 804, C replaced by G.
Molecular consequence: intron variant.
Genome position (GRCh38, 1-based): chr7:45,073,451, C>G. VCF-style: chr7-45073451-C-G. GRCh37 (hg19) VCF-style: chr7-45113050-C-G.
Other names: c.927-9C>G (NM_001363458.2); c.531-9C>G (NM_001167935.2); c.753-9C>G (NM_001363459.2); c.630-9C>G (NM_001167934.2); c.867-9C>G (NM_001029835.2).
Identifiers: ClinVar variation 702110 (VCV000702110.13), dbSNP rs150362858, ClinGen allele CA4247154.
Genomic context (GRCh38, chr7:45,073,451, plus strand): 5'-GTTTCCTGAAACGTGTGTGGGATGGAGGGTCGGGGAAGCCACCCGCTCACATACCACATT[C>G]TTTCGCAGCTGCTTCCCTGAATCTGTGGATGTGGGTGGTGCATCACCCCACAGCAAGACC-3'

ClinVar aggregate classification (germline): Benign/Likely benign. Review status: criteria provided, multiple submitters, no conflicts (2 of 4 stars). 3 submissions from 3 submitters: Benign (1); Likely benign (1). 1 of the submissions does not count toward it. Last evaluated 2026-01-23.

Conditions:
CCM2-related disorder. Also called: CCM2-related condition.
Cerebral cavernous malformation 2. Also called: Familial Cerebral Cavernous Malformation 2. Identifiers: Orphanet 221061, MedGen C1864041, MONDO:0011304, OMIM 603284.

Allele frequency attached by ClinVar (database versions not stated): gnomAD exomes 0.00056; ExAC 0.00080; 1000 Genomes Project 30x 0.00156; 1000 Genomes Project 0.00180; gnomAD 0.00201; ESP Exome Variant Server 0.00261; TOPMed 0.00274.
gnomAD v4.1: 700 of 1,609,496 alleles (0.043%); highest among the groups gnomAD compares: African/African-American, 0.81%; 3 homozygotes.

Submissions (6):

Labcorp Genetics (formerly Invitae), Labcorp
Classification: Benign for Cerebral cavernous malformation 2. Last evaluated: 2026-01-23. Review status: criteria provided, single submitter. Criteria: Invitae Variant Classification Sherloc (09022015). Collection method: clinical testing. Allele origin: germline.

Blueprint Genetics
Classification: Likely benign. Last evaluated: 2024-11-13. Review status: criteria provided, single submitter. Criteria: ACMG Guidelines, 2015. Collection method: clinical testing. Allele origin: germline.

PreventionGenetics, part of Exact Sciences
Classification: Benign for CCM2-related condition. Last evaluated: 2024-04-08. Review status: no assertion criteria provided. Collection method: clinical testing. Allele origin: germline. Not counted in ClinVar's aggregate classification.
Comment: This variant is classified as benign based on ACMG/AMP sequence variant interpretation guidelines (Richards et al. 2015 PMID: 25741868, with internal and published modifications).

Dr. Peter K. Rogan Lab, Western University
No classification provided (evidence only). Condition: Lung cancer. Review status: no classification provided. Collection method: in vitro. Allele origin: not applicable. Functional consequence: retained intron. Not counted in ClinVar's aggregate classification.

Dr. Peter K. Rogan Lab, Western University
No classification provided (evidence only). Condition: Cervical cancer. Review status: no classification provided. Collection method: in vitro. Allele origin: not applicable. Functional consequence: retained intron. Not counted in ClinVar's aggregate classification.

Dr. Peter K. Rogan Lab, Western University
No classification provided (evidence only). Condition: Cervical cancer. Review status: no classification provided. Collection method: in vitro. Allele origin: not applicable. Functional consequence: retained intron. Not counted in ClinVar's aggregate classification.